The following is an entry in ClinVar:

NM_002474.3(MYH11):c.1469C>G (p.Thr490Ser)

Gene: MYH11 (myosin heavy chain 11; minus strand). Cytogenetic location: 16p13.11.
Variant type: single nucleotide variant.
Coding change: c.1469C>G on transcript NM_002474.3 (MANE Select); coding-DNA position 1469, C replaced by G.
Protein change: p.Thr490Ser; replaces threonine 490 with serine.
Molecular consequence: missense variant.
Genome position (GRCh38, 1-based): chr16:15,757,933, G>C on the plus strand (C>G on the coding strand, the complement: MYH11 is on the minus strand). VCF-style: chr16-15757933-G-C. GRCh37 (hg19) VCF-style: chr16-15851790-G-C.
Other names: c.1490C>G, p.Thr497Ser (NM_001040113.2, NM_001040114.2); c.1469C>G, p.Thr490Ser (NM_022844.3); short protein forms T490S, T497S.
Identifiers: ClinVar variation 3894381 (VCV003894381.1).

ClinVar aggregate classification (germline): Uncertain significance (1 of 4 stars; one submission).

Conditions:
Familial thoracic aortic aneurysm and aortic dissection (TAAD). Also called: Thoracic aortic aneurysms and dissections. Identifiers: Orphanet 91387, MedGen C4707243, MONDO:0019625.

Submission:

Color Diagnostics, LLC DBA Color Health
Classification: Uncertain significance for Familial thoracic aortic aneurysm and aortic dissection. Last evaluated: 2024-03-07. Review status: criteria provided, single submitter. Criteria: ACMG Guidelines, 2015. Collection method: clinical testing. Allele origin: germline.
Comment: This missense variant replaces threonine with serine at codon 497 of the MYH11 protein. Computational prediction is inconclusive regarding the impact of this variant on protein structure and function (internally defined REVEL score threshold 0.5 < inconclusive < 0.7, PMID: 27666373). To our knowledge, functional studies have not been reported for this variant. This variant has not been reported in individuals affected with MYH11-related disorders in the literature. This variant has not been identified in the general population by the Genome Aggregation Database (gnomAD). The available evidence is insufficient to determine the role of this variant in disease conclusively. Therefore, this variant is classified as a Variant of Uncertain Significance.